The following is an entry in ClinVar:

NM_213599.3(ANO5):c.1180+3G>T

Gene: ANO5 (anoctamin 5; plus strand). Cytogenetic location: 11p14.3.
Variant type: single nucleotide variant.
Coding change: c.1180+3G>T on transcript NM_213599.3 (MANE Select); 3 bases into the intron after coding-DNA position 1180, G replaced by T.
Molecular consequence: intron variant.
Genome position (GRCh38, 1-based): chr11:22,251,014, G>T. VCF-style: chr11-22251014-G-T. GRCh37 (hg19) VCF-style: chr11-22272560-G-T.
Other names: c.1177+3G>T (NM_001142649.2).
Identifiers: ClinVar variation 1469856 (VCV001469856.6), dbSNP rs2133705171, ClinGen allele CA2573146263.
Genomic context (GRCh38, chr11:22,251,014, plus strand): 5'-TCCCATTTGTTTGATAATGAGTCAACAGTGTTCTTTGCAATATTCATGGGAATTTGGGGT[G>T]AGTAAATAGTCCCATAAAGAAACAGCTTTCTTCCTATTAATGTGTTGTTTTGCCTCCATA-3'

ClinVar aggregate classification (germline): Uncertain significance (1 of 4 stars; one submission).

Conditions:
Gnathodiaphyseal dysplasia (GDD). Also called: GNATHODIAPHYSEAL SCLEROSIS; OSTEOGENESIS IMPERFECTA WITH UNUSUAL SKELETAL LESIONS. Identifiers: Orphanet 53697, MedGen C1833736, MONDO:0008151, OMIM 166260.
Autosomal recessive limb-girdle muscular dystrophy type 2L (LGMDR12). Also called: Limb-girdle muscular dystrophy, type 2L; MUSCULAR DYSTROPHY, LIMB-GIRDLE, AUTOSOMAL RECESSIVE 12; Limb-Girdle Muscular Dystrophy R12 Anoctamin-5-Related (LGMD-R12). Identifiers: Orphanet 206549, MedGen C1969785, MONDO:0012652, OMIM 611307.

Allele frequency attached by ClinVar (database versions not stated): gnomAD exomes below 0.00001.
gnomAD v4.1: 1 of 1,608,622 alleles (0.000062%); no homozygotes.

Submission:

Labcorp Genetics (formerly Invitae), Labcorp
Classification: Uncertain significance for Autosomal recessive limb-girdle muscular dystrophy type 2L; Gnathodiaphyseal dysplasia. Last evaluated: 2025-10-02. Review status: criteria provided, single submitter. Criteria: Invitae Variant Classification Sherloc (09022015). Collection method: clinical testing. Allele origin: germline.
Comment: This sequence change falls in intron 12 of the ANO5 gene. It does not directly change the encoded amino acid sequence of the ANO5 protein. It affects a nucleotide within the consensus splice site. This variant is not present in population databases (gnomAD no frequency). This variant has not been reported in the literature in individuals affected with ANO5-related conditions. ClinVar contains an entry for this variant (Variation ID: 1469856). Variants that disrupt the consensus splice site are a relatively common cause of aberrant splicing (PMID: 17576681, 9536098). Algorithms developed to predict the effect of sequence changes on RNA splicing suggest that this variant may disrupt the consensus splice site. In summary, the available evidence is currently insufficient to determine the role of this variant in disease. Therefore, it has been classified as a Variant of Uncertain Significance.

Literature cited by the submitters: PubMed 17576681; PubMed 9536098.